The following is an entry in ClinVar:

NM_000215.4(JAK3):c.381T>C (p.Ala127=)

Gene: JAK3 (Janus kinase 3; minus strand). Cytogenetic location: 19p13.11.
Variant type: single nucleotide variant.
Coding change: c.381T>C on transcript NM_000215.4 (MANE Select); coding-DNA position 381, T replaced by C.
Protein change: p.Ala127=; no amino-acid change (alanine 127 retained).
Molecular consequence: synonymous variant.
Genome position (GRCh38, 1-based): chr19:17,843,419, A>G on the plus strand (T>C on the coding strand, the complement: JAK3 is on the minus strand). VCF-style: chr19-17843419-A-G. GRCh37 (hg19) VCF-style: chr19-17954228-A-G.
Identifiers: ClinVar variation 134581 (VCV000134581.8), dbSNP rs587778418, ClinGen allele CA160249.
Genomic context (GRCh38, chr19:17,843,419, plus strand): 5'-AAACCCCAGGCAGAACCCCACCTGGGCAAAGAGGTGCTCCAGGACTGGCAGGTCAAGGAT[A>G]GCACTGGCCAAATCCTTGCGTAGCCCGAAGCGGTGGCACTTCTCCAGCCCAAACCAATTG-3'
Protein context (NP_000206.2, residues 117-137): RFGLRKDLAS[Ala127=]ILDLPVLEHL

ClinVar aggregate classification (germline): Likely benign. Review status: criteria provided, single submitter (1 of 4 stars). 2 submissions from 2 submitters: Likely benign (1). 1 of the submissions does not count toward it. Last evaluated 2023-12-30.

Conditions:
T-B+ severe combined immunodeficiency due to JAK3 deficiency. Also called: SCID, T CELL-NEGATIVE, B CELL-POSITIVE, NK CELL-NEGATIVE; SCID, autosomal recessive, T-negative/B-positive type. Identifiers: Orphanet 35078, MedGen C1833275, MONDO:0010938, OMIM 600802.

Allele frequency attached by ClinVar (database versions not stated): gnomAD exomes below 0.00001.
gnomAD v4.1: 3 of 1,596,670 alleles (0.00019%); highest among the groups gnomAD compares: Non-Finnish European, 0.00017%; no homozygotes.

Submissions (2):

Labcorp Genetics (formerly Invitae), Labcorp
Classification: Likely benign for T-B+ severe combined immunodeficiency due to JAK3 deficiency. Last evaluated: 2023-12-30. Review status: criteria provided, single submitter. Criteria: Invitae Variant Classification Sherloc (09022015). Collection method: clinical testing. Allele origin: germline.

ITMI
No classification provided. Condition: AllHighlyPenetrant. Last evaluated: 2013-09-19. Review status: no classification provided. Collection method: reference population. Allele origin: germline. Not counted in ClinVar's aggregate classification.
Comment: Please see associated publication for description of ethnicities

Literature cited by the submitters: PubMed 24728327 (cited by ITMI).